The following is an entry in ClinVar:

NM_012268.4(PLD3):c.1468C>G (p.Leu490Val)

Gene: PLD3 (phospholipase D family member 3; plus strand). Cytogenetic location: 19q13.2.
Variant type: single nucleotide variant.
Coding change: c.1468C>G on transcript NM_012268.4 (MANE Select); coding-DNA position 1468, C replaced by G.
Protein change: p.Leu490Val; replaces leucine 490 with valine.
Molecular consequence: missense variant.
Genome position (GRCh38, 1-based): chr19:40,378,168, C>G. VCF-style: chr19-40378168-C-G. GRCh37 (hg19) VCF-style: chr19-40884075-C-G.
Other names: p.Leu490Val; c.1468C>G, p.Leu490Val (NM_001031696.4, NM_001291311.2); short protein forms L490V.
Identifiers: ClinVar variation 2710408 (VCV002710408.4), dbSNP rs201079979, ClinGen allele CA9443059.

ClinVar aggregate classification (germline): Likely benign. Review status: criteria provided, multiple submitters, no conflicts (2 of 4 stars). 2 submissions from 2 submitters: Likely benign (2). Last evaluated 2025-12-27.

Allele frequency attached by ClinVar (database versions not stated): gnomAD 0.00006; gnomAD exomes 0.00013; TOPMed 0.00013; ExAC 0.00018.
gnomAD v4.1: 92 of 1,606,908 alleles (0.0057%); highest among the groups gnomAD compares: Admixed American, 0.15%; no homozygotes.

Submissions (2):

Labcorp Genetics (formerly Invitae), Labcorp
Classification: Likely benign. Last evaluated: 2025-12-27. Review status: criteria provided, single submitter. Criteria: Invitae Variant Classification Sherloc (09022015). Collection method: clinical testing. Allele origin: germline.

Mayo Clinic Laboratories, Mayo Clinic
Classification: Likely benign. Last evaluated: 2025-09-16. Review status: criteria provided, single submitter. Criteria: ACMG Guidelines, 2015. Collection method: clinical testing. Allele origin: germline. Observed: 1 variant allele.
Comment: BS2, BP4_moderate, PM2_supporting